The following is an entry in ClinVar:

ClinVar aggregate classification (germline): Pathogenic (1 of 4 stars; one submission).

Conditions:
Marfan syndrome (MFS). Also called: MARFAN SYNDROME, TYPE I; Marfan syndrome type 1; Marfan's syndrome; Marfan syndrome, classic; FBN1-Related Marfan Syndrome. Identifiers: Orphanet 284963, Orphanet 558, MedGen C0024796, MONDO:0007947, OMIM 154700.
Familial thoracic aortic aneurysm and aortic dissection (TAAD). Also called: Thoracic aortic aneurysms and dissections. Identifiers: Orphanet 91387, MedGen C4707243, MONDO:0019625.

Submission:

Labcorp Genetics (formerly Invitae), Labcorp
Classification: Pathogenic for Marfan syndrome; Familial thoracic aortic aneurysm and aortic dissection. Last evaluated: 2025-01-19. Review status: criteria provided, single submitter. Criteria: Invitae Variant Classification Sherloc (09022015). Collection method: clinical testing. Allele origin: germline.
Comment: This sequence change creates a premature translational stop signal (p.Phe1346Glnfs*3) in the FBN1 gene. It is expected to result in an absent or disrupted protein product. Loss-of-function variants in FBN1 are known to be pathogenic (PMID: 17657824, 19293843). This variant is not present in population databases (gnomAD no frequency). This variant has not been reported in the literature in individuals affected with FBN1-related conditions. For these reasons, this variant has been classified as Pathogenic.

Literature cited by the submitters: PubMed 17657824; PubMed 19293843.

NM_000138.5(FBN1):c.4036_4037del (p.Phe1346fs)

Gene: FBN1 (fibrillin 1; minus strand). Cytogenetic location: 15q21.1.
Variant type: Deletion.
Coding change: c.4036_4037del on transcript NM_000138.5 (MANE Select); coding-DNA positions 4036 to 4037, 2 bases deleted (TT; older notation c.4036_4037delTT).
Protein change: p.Phe1346fs; shifts the reading frame from phenylalanine 1346.
Molecular consequence: frameshift variant.
Genome position (GRCh38, 1-based): chr15:48,474,578-48,474,579, AA deleted on the plus strand (TT on the coding strand, the reverse complement: FBN1 is on the minus strand). VCF-style (leftmost placement, unchanged base first): chr15-48474577-GAA-G. GRCh37 (hg19) VCF-style: chr15-48766774-GAA-G.
Other names: c.4036_4037del, p.Phe1346fs (NM_001406716.1); short protein forms F1346fs.
Identifiers: ClinVar variation 3760357 (VCV003760357.2).